The following is an entry in ClinVar:

ClinVar aggregate classification (germline): Conflicting classifications of pathogenicity. Review status: criteria provided, conflicting classifications (1 of 4 stars). 2 submissions from 2 submitters: Uncertain significance (1); Likely benign (1). Last evaluated 2025-04-20.

gnomAD v4.1: 1 of 1,612,724 alleles (0.000062%); highest among the groups gnomAD compares: Non-Finnish European, 0.000085%; no homozygotes.

Submissions (2):

Labcorp Genetics (formerly Invitae), Labcorp
Classification: Likely benign. Last evaluated: 2025-04-20. Review status: criteria provided, single submitter. Criteria: Invitae Variant Classification Sherloc (09022015). Collection method: clinical testing. Allele origin: germline.

CeGaT Center for Human Genetics Tuebingen
Classification: Uncertain significance. Last evaluated: 2023-08-01. Review status: criteria provided, single submitter. Criteria: CeGaT Center For Human Genetics Tuebingen Variant Classification Criteria Version 2. Collection method: clinical testing. Allele origin: germline. Affected: yes. Observed: 1 variant allele.
Comment: COL4A1: PM2, BP4

NM_001845.6(COL4A1):c.469-7C>A

Gene: COL4A1 (collagen type IV alpha 1 chain; minus strand). Cytogenetic location: 13q34.
Variant type: single nucleotide variant.
Coding change: c.469-7C>A on transcript NM_001845.6 (MANE Select); 7 bases into the intron before coding-DNA position 469, C replaced by A.
Molecular consequence: intron variant.
Genome position (GRCh38, 1-based): chr13:110,210,219, G>T on the plus strand (C>A on the coding strand, the complement: COL4A1 is on the minus strand). VCF-style: chr13-110210219-G-T. GRCh37 (hg19) VCF-style: chr13-110862566-G-T.
Other names: c.469-7C>A (NM_001303110.2).
Identifiers: ClinVar variation 2643945 (VCV002643945.25), dbSNP rs1409868711, ClinGen allele CA2623676242.